The following is an entry in ClinVar:

NM_007194.4(CHEK2):c.1008+7G>A

Gene: CHEK2 (checkpoint kinase 2; minus strand). Cytogenetic location: 22q12.1.
Variant type: single nucleotide variant.
Coding change: c.1008+7G>A on transcript NM_007194.4 (MANE Select); 7 bases into the intron after coding-DNA position 1008, G replaced by A.
Molecular consequence: intron variant.
Genome position (GRCh38, 1-based): chr22:28,699,831, C>T on the plus strand (G>A on the coding strand, the complement: CHEK2 is on the minus strand). VCF-style: chr22-28699831-C-T. GRCh37 (hg19) VCF-style: chr22-29095819-C-T.
Other names: c.345+7G>A (NM_001437942.1, NM_001257387.3); c.807+7G>A (NM_001349956.3); c.1008+7G>A (NM_145862.3); c.1101+7G>A (NM_001438295.1, NM_001438293.1); c.1137+7G>A (NM_001438294.1, NM_001005735.3).
Identifiers: ClinVar variation 1131209 (VCV001131209.12), dbSNP rs1365428441, ClinGen allele CA638798867.

ClinVar aggregate classification (germline): Likely benign. Review status: criteria provided, multiple submitters, no conflicts (2 of 4 stars). 3 submissions from 3 submitters: Likely benign (3). Last evaluated 2024-10-04.

Conditions:
Familial cancer of breast. Also called: Hereditary breast cancer; BREAST CANCER, FAMILIAL; hereditary breast carcinoma. Identifiers: Orphanet 227535, MedGen C0346153, MONDO:0016419, OMIM 114480. Disease mechanism: loss of function.

Allele frequency attached by ClinVar (database versions not stated): gnomAD exomes below 0.00001.
gnomAD v4.1: 1 of 1,605,756 alleles (0.000062%); highest among the groups gnomAD compares: Non-Finnish European, 0.000085%; no homozygotes.

Submissions (3):

Myriad Genetics, Inc.
Classification: Likely benign for Familial cancer of breast. Last evaluated: 2024-10-04. Review status: criteria provided, single submitter. Criteria: Myriad Autosomal Dominant, Autosomal Recessive and X-Linked Classification Criteria (2023). Collection method: clinical testing. Allele origin: unknown.
Comment: This variant is considered likely benign. This variant is intronic and is not expected to impact mRNA splicing.

Blueprint Genetics
Classification: Likely benign. Last evaluated: 2023-10-06. Review status: criteria provided, single submitter. Criteria: ACMG Guidelines, 2015. Collection method: clinical testing. Allele origin: germline.

Labcorp Genetics (formerly Invitae), Labcorp
Classification: Likely benign for Familial cancer of breast. Last evaluated: 2023-08-01. Review status: criteria provided, single submitter. Criteria: Invitae Variant Classification Sherloc (09022015). Collection method: clinical testing. Allele origin: germline.